The following is an entry in ClinVar:

ClinVar aggregate classification (germline): Conflicting classifications of pathogenicity. Review status: criteria provided, conflicting classifications (1 of 4 stars). 4 submissions from 4 submitters: Uncertain significance (3); Likely benign (1). Last evaluated 2025-08-03.

Conditions:
Hereditary cancer-predisposing syndrome. Also called: Hereditary neoplastic syndrome; Neoplastic Syndromes, Hereditary; Tumor predisposition; Hereditary Cancer Syndrome. Identifiers: Orphanet 140162, MedGen C0027672, MeSH D009386, MONDO:0015356.
Intellectual disability, autosomal dominant 16 (CSS4). Also called: COFFIN-SIRIS SYNDROME 4. Identifiers: Orphanet 1465, MedGen C3553249, MONDO:0013821, OMIM 614609.
Rhabdoid tumor predisposition syndrome 2 (RTPS2). Identifiers: Orphanet 231108, Orphanet 69077, MedGen C2750074, MONDO:0013224, OMIM 613325.

Allele frequency attached by ClinVar (database versions not stated): ExAC 0.00001; gnomAD 0.00001; gnomAD exomes 0.00001 and 0.00002.
gnomAD v4.1: 29 of 1,610,038 alleles (0.0018%); highest among the groups gnomAD compares: South Asian, 0.0066%; no homozygotes.

Submissions (4):

Labcorp Genetics (formerly Invitae), Labcorp
Classification: Uncertain significance for Rhabdoid tumor predisposition syndrome 2. Last evaluated: 2025-08-03. Review status: criteria provided, single submitter. Criteria: Invitae Variant Classification Sherloc (09022015). Collection method: clinical testing. Allele origin: germline.
Comment: This sequence change replaces proline, which is neutral and non-polar, with serine, which is neutral and polar, at codon 269 of the SMARCA4 protein (p.Pro269Ser). This variant is present in population databases (rs759641262, gnomAD 0.005%). This variant has not been reported in the literature in individuals affected with SMARCA4-related conditions. ClinVar contains an entry for this variant (Variation ID: 470463). An algorithm developed to predict the effect of missense changes on protein structure and function (PolyPhen-2) suggests that this variant is likely to be tolerated. In summary, the available evidence is currently insufficient to determine the role of this variant in disease. Therefore, it has been classified as a Variant of Uncertain Significance.

Baylor Genetics
Classification: Uncertain significance for Rhabdoid tumor predisposition syndrome 2. Last evaluated: 2024-01-02. Review status: criteria provided, single submitter. Criteria: ACMG Guidelines, 2015. Collection method: clinical testing. Allele origin: unknown.

Ambry Genetics
Classification: Likely benign for Hereditary cancer-predisposing syndrome. Last evaluated: 2022-09-30. Review status: criteria provided, single submitter. Criteria: Ambry Variant Classification Scheme 2023. Collection method: clinical testing. Allele origin: germline.

Genome-Nilou Lab
Classification: Uncertain significance for Intellectual disability, autosomal dominant 16. Last evaluated: 2021-07-15. Review status: criteria provided, single submitter. Criteria: ACMG Guidelines, 2015. Collection method: clinical testing. Allele origin: germline. Affected: no.

NM_003072.5(SMARCA4):c.805C>T (p.Pro269Ser)

Gene: SMARCA4 (SWI/SNF related BAF chromatin remodeling complex subunit ATPase 4; plus strand). Cytogenetic location: 19p13.2.
Variant type: single nucleotide variant.
Coding change: c.805C>T on transcript NM_003072.5 (MANE Select); coding-DNA position 805, C replaced by T.
Protein change: p.Pro269Ser; replaces proline 269 with serine.
Molecular consequence: missense variant. On other transcripts: non-coding transcript variant (1).
Genome position (GRCh38, 1-based): chr19:10,986,949, C>T. VCF-style: chr19-10986949-C-T. GRCh37 (hg19) VCF-style: chr19-11097625-C-T.
Other names: c.805C>T, p.Pro269Ser (NM_001128844.3, NM_001128845.2, NM_001128846.2 and 5 more transcripts); short protein forms P269S.
Identifiers: ClinVar variation 470463 (VCV000470463.15), dbSNP rs759641262, ClinGen allele CA9203585.